The following is an entry in ClinVar:

ClinVar aggregate classification (germline): Conflicting classifications of pathogenicity. Review status: criteria provided, conflicting classifications (1 of 4 stars). 4 submissions from 4 submitters: Uncertain significance (1); Likely benign (3). Last evaluated 2026-05-27.

Conditions:
Hereditary cancer-predisposing syndrome. Also called: Neoplastic Syndromes, Hereditary; Hereditary neoplastic syndrome; Tumor predisposition; Hereditary Cancer Syndrome. Identifiers: Orphanet 140162, MedGen C0027672, MeSH D009386, MONDO:0015356.
Gastrointestinal stromal tumor. Also called: Gastrointestinal stromal tumor, somatic; Gastrointestinal stroma tumor. Identifiers: Orphanet 44890, MedGen C0238198, MeSH D046152, MONDO:0011719, OMIM 606764, HP:0100723.

Allele frequency attached by ClinVar (database versions not stated): gnomAD exomes 0.00002 and 0.00003; ExAC 0.00003; gnomAD 0.00011 and 0.00013; TOPMed 0.00014.
gnomAD v4.1: 46 of 1,613,378 alleles (0.0029%); highest among the groups gnomAD compares: African/African-American, 0.053%; no homozygotes.

Submissions (4):

Myriad Genetics, Inc.
Classification: Likely benign for Gastrointestinal stromal tumor. Last evaluated: 2026-05-27. Review status: criteria provided, single submitter. Criteria: Myriad Autosomal Dominant, Autosomal Recessive and X-Linked Classification Criteria (2023). Collection method: clinical testing. Allele origin: unknown.
Comment: This variant is considered likely benign. This variant is intronic and is not expected to impact mRNA splicing.

Labcorp Genetics (formerly Invitae), Labcorp
Classification: Likely benign for Gastrointestinal stromal tumor. Last evaluated: 2026-01-26. Review status: criteria provided, single submitter. Criteria: Invitae Variant Classification Sherloc (09022015). Collection method: clinical testing. Allele origin: germline.

Blueprint Genetics
Classification: Likely benign. Last evaluated: 2023-11-28. Review status: criteria provided, single submitter. Criteria: ACMG Guidelines, 2015. Collection method: clinical testing. Allele origin: germline.

Sema4
Classification: Uncertain significance for Hereditary cancer-predisposing syndrome. Last evaluated: 2021-04-30. Review status: criteria provided, single submitter. Criteria: Sema4 Curation Guidelines. Collection method: curation. Allele origin: germline.
Comment: The KIT c.1347-12T>C variant has not been reported in the literature to our knowledge. It was observed in 3/33570 chromosomes of the African/African American subpopulation in the Genome Aggregation Database (PMID: 32461654). The variant has not been reported in ClinVar. In silico tools suggest the impact of the variant on splicing is benign, though these predictions have not been confirmed by functional studies. The evidence is insufficient to meet ACMG/AMP criteria for classifying the variant as benign or pathogenic. Thus, the clinical significance of this variant is currently uncertain.

NM_000222.3(KIT):c.1347-12T>C

Gene: KIT (KIT proto-oncogene, receptor tyrosine kinase; plus strand). Cytogenetic location: 4q12.
Variant type: single nucleotide variant.
Coding change: c.1347-12T>C on transcript NM_000222.3 (MANE Select); 12 bases into the intron before coding-DNA position 1347, T replaced by C.
Molecular consequence: intron variant.
Genome position (GRCh38, 1-based): chr4:54,725,845, T>C. VCF-style: chr4-54725845-T-C. GRCh37 (hg19) VCF-style: chr4-55592011-T-C.
Other names: c.1350-12T>C (NM_001385284.1, NM_001385290.1, NM_001385288.1 and 1 more transcripts); c.1347-12T>C (NM_001385285.1, NM_001093772.2, NM_001385286.1).
Identifiers: ClinVar variation 1618815 (VCV001618815.19), dbSNP rs772339877, ClinGen allele CA2923474.